The following is an entry in ClinVar:

NM_014913.4(ADNP2):c.2112G>A (p.Pro704=)

Gene: ADNP2 (ADNP homeobox 2; plus strand). Cytogenetic location: 18q23.
Variant type: single nucleotide variant.
Coding change: c.2112G>A on transcript NM_014913.4 (MANE Select); coding-DNA position 2112, G replaced by A.
Protein change: p.Pro704=; no amino-acid change (proline 704 retained).
Molecular consequence: synonymous variant.
Genome position (GRCh38, 1-based): chr18:80,137,525, G>A. VCF-style: chr18-80137525-G-A. GRCh37 (hg19) VCF-style: chr18-77895408-G-A.
Identifiers: ClinVar variation 2648838 (VCV002648838.24), dbSNP rs35954328, ClinGen allele CA9012587.

ClinVar aggregate classification (germline): Likely benign (1 of 4 stars; one submission).

Allele frequency attached by ClinVar (database versions not stated): 1000 Genomes Project 0.00100; 1000 Genomes Project 30x 0.00125; ExAC 0.00203; TOPMed 0.00210; ESP Exome Variant Server 0.00231; gnomAD exomes 0.00368.

Submission:

CeGaT Center for Human Genetics Tuebingen
Classification: Likely benign. Last evaluated: 2023-01-01. Review status: criteria provided, single submitter. Criteria: CeGaT Center For Human Genetics Tuebingen Variant Classification Criteria Version 2. Collection method: clinical testing. Allele origin: germline. Affected: yes. Observed: 1 variant allele.
Comment: ADNP2: BP4, BP7